The following is an entry in ClinVar:

ClinVar aggregate classification (germline): Pathogenic (1 of 4 stars; one submission).

Submission:

Clinical Genomics Laboratory, Laboratory for Precision Diagnostics, University of Washington
Classification: Pathogenic. Last evaluated: 2023-01-05. Review status: criteria provided, single submitter. Criteria: ACMG/ClinGen CNV Guidelines, 2019. Collection method: clinical testing. Allele origin: de novo. Affected: yes. Observed: 1 variant allele.
Comment: This alteration is a recurrent microdeletion that contains 63 protein-coding genes. Deletions of this region of 8p23.1 have been reported in a number of individuals. Clinical features described in this 8p23.1 microdeletion syndrome include structural cardiac abnormalities (ranging from septal defects and pulmonic stenosis to complex anomalies), congenital diaphragmatic hernia, microcephaly, behavioral challenges (hyperactivity, impulsiveness), growth restriction, seizure disorders, and mild cognitive disability. There is evidence that haploinsufficiency of GATA4 is responsible for congenital heart defects and diaphragmatic hernia found in patients with this deletion.

Literature cited by the submitters: PubMed 20969981; PubMed 18470924; PubMed 17602449; PubMed 23239632; PubMed 23696316; PubMed 16700088; PubMed 26263419; PubMed 10521848; PubMed 15937941; PubMed 19606479; PubMed 23138528.

GRCh38/hg38 8p23.1(chr8:7296514-12636756)x1

Genes: BLK (BLK proto-oncogene, Src family tyrosine kinase), BLK-AS1 (BLK antisense RNA 1), C8orf74 (chromosome 8 open reading frame 74), CLDN23 (claudin 23), CRE3 (CRE3 CAGE-defined tissue-specific enhancer) and 256 more. Cytogenetic location: 8p23.1.
Variant type: copy number loss.
Change: copy number 1 (one copy instead of two) of chr8:7,296,514-12,636,756 (5.34 Mb, GRCh38 coordinates, 1-based), cytogenetic band 8p23.1.
Identifiers: ClinVar variation 4755349 (VCV004755349.1).